The following is an entry in ClinVar:

ClinVar aggregate classification (germline): Likely benign. Review status: criteria provided, multiple submitters, no conflicts (2 of 4 stars). 4 submissions from 4 submitters: Likely benign (3). 1 of the submissions does not count toward it. Last evaluated 2025-12-04.

Conditions:
SLC27A5-related disorder. Also called: SLC27A5-related condition.

Allele frequency attached by ClinVar (database versions not stated): TOPMed 0.00169; ESP Exome Variant Server 0.00170; 1000 Genomes Project 30x 0.00187; gnomAD exomes 0.00017 and 0.00035; ExAC 0.00074; gnomAD 0.00159 and 0.00169; 1000 Genomes Project 0.00160.

Submissions (4):

Labcorp Genetics (formerly Invitae), Labcorp
Classification: Likely benign. Last evaluated: 2025-12-04. Review status: criteria provided, single submitter. Criteria: Invitae Variant Classification Sherloc (09022015). Collection method: clinical testing. Allele origin: germline.

Eurofins Ntd Llc (ga)
Classification: Likely benign. Last evaluated: 2017-07-19. Review status: criteria provided, single submitter. Criteria: EGL Classification Definitions 2015. Collection method: clinical testing. Allele origin: germline. Observed: 7 variant alleles, 7 heterozygotes.

Breakthrough Genomics
Classification: Likely benign. Review status: criteria provided, single submitter. Criteria: ACMG Guidelines, 2015. Collection method: not provided. Allele origin: germline. Inheritance: Unknown mechanism. Affected: yes.

PreventionGenetics, part of Exact Sciences
Classification: Likely benign for SLC27A5-related condition. Last evaluated: 2021-08-23. Review status: no assertion criteria provided. Collection method: clinical testing. Allele origin: germline. Not counted in ClinVar's aggregate classification.
Comment: This variant is classified as likely benign based on ACMG/AMP sequence variant interpretation guidelines (Richards et al. 2015 PMID: 25741868, with internal and published modifications).

NM_012254.3(SLC27A5):c.263C>T (p.Pro88Leu)

Gene: SLC27A5 (solute carrier family 27 member 5; minus strand). Cytogenetic location: 19q13.43.
Variant type: single nucleotide variant.
Coding change: c.263C>T on transcript NM_012254.3 (MANE Select); coding-DNA position 263, C replaced by T.
Protein change: p.Pro88Leu; replaces proline 88 with leucine.
Molecular consequence: missense variant.
Genome position (GRCh38, 1-based): chr19:58,511,693, G>A on the plus strand (C>T on the coding strand, the complement: SLC27A5 is on the minus strand). VCF-style: chr19-58511693-G-A. GRCh37 (hg19) VCF-style: chr19-59023060-G-A.
Other names: c.263C>T, p.Pro88Leu (NM_001321196.2); short protein forms P88L.
Identifiers: ClinVar variation 288352 (VCV000288352.15), dbSNP rs137880349, ClinGen allele CA9718317.